The following is an entry in ClinVar:

NM_007294.4(BRCA1):c.261G>C (p.Leu87Phe)

Gene: BRCA1 (BRCA1 DNA repair associated; minus strand). Cytogenetic location: 17q21.31.
Variant type: single nucleotide variant.
Coding change: c.261G>C on transcript NM_007294.4 (MANE Select); coding-DNA position 261, G replaced by C.
Protein change: p.Leu87Phe; replaces leucine 87 with phenylalanine.
Molecular consequence: missense variant. On other transcripts: non-coding transcript variant (1).
Genome position (GRCh38, 1-based): chr17:43,104,908, C>G on the plus strand (G>C on the coding strand, the complement: BRCA1 is on the minus strand). VCF-style: chr17-43104908-C-G. GRCh37 (hg19) VCF-style: chr17-41256925-C-G.
Other names: c.51G>C, p.Leu17Phe (NM_001407571.1, NM_001407853.1, NM_001407879.1 and 58 more transcripts); c.261G>C, p.Leu87Phe (NM_001407581.1, NM_001407582.1, NM_001407583.1 and 168 more transcripts); c.183G>C, p.Leu61Phe (NM_001407653.1, NM_001407654.1, NM_001407655.1 and 21 more transcripts); c.120G>C, p.Leu40Phe (NM_001407692.1, NM_001407694.1, NM_001407695.1 and 99 more transcripts); c.-121G>C (NM_001407959.1, NM_001407960.1, NM_001407962.1 and 4 more transcripts); c.129G>C, p.Leu43Phe (NM_001408451.1); short protein forms L87F, L40F, L61F, L17F, L43F.
Identifiers: ClinVar variation 868323 (VCV000868323.3), dbSNP rs757971617, ClinGen allele CA10601635.

Conditions:
Breast-ovarian cancer, familial, susceptibility to, 1 (BROVCA1). Also called: BRCA1 Hereditary Breast and Ovarian Cancer; OVARIAN CANCER, SUSCEPTIBILITY TO. Identifiers: Orphanet 145, MedGen C2676676, MONDO:0011450, OMIM 604370. Disease mechanism: loss of function.

Submission:

Brotman Baty Institute, University of Washington
No classification provided (evidence only). Condition: Breast-ovarian cancer, familial 1. Review status: no classification provided. Collection method: in vitro. Allele origin: not applicable. Functional consequence: functionally_normal.
ClinVar note: "not provided" was previously submitted as the classification for the variant. However, the classification appeared to be based only on an observation of functional data so it was converted to no classification on 2025-07-30.